The following is an entry in ClinVar:

NM_000925.4(PDHB):c.449C>A (p.Ala150Asp)

Gene: PDHB (pyruvate dehydrogenase E1 subunit beta; minus strand). Cytogenetic location: 3p14.3.
Variant type: single nucleotide variant.
Coding change: c.449C>A on transcript NM_000925.4 (MANE Select); coding-DNA position 449, C replaced by A.
Protein change: p.Ala150Asp; replaces alanine 150 with aspartic acid.
Molecular consequence: missense variant. On other transcripts: non-coding transcript variant (1), intron variant (1).
Genome position (GRCh38, 1-based): chr3:58,430,797, G>T on the plus strand (C>A on the coding strand, the complement: PDHB is on the minus strand). VCF-style: chr3-58430797-G-T. GRCh37 (hg19) VCF-style: chr3-58416524-G-T.
Other names: c.395C>A, p.Ala132Asp (NM_001315536.2); c.404-9C>A (NM_001173468.2); short protein forms A132D, A150D.
Identifiers: ClinVar variation 2126920 (VCV002126920.4), dbSNP rs2471367800, ClinGen allele CA353361735.

ClinVar aggregate classification (germline): Uncertain significance (1 of 4 stars; one submission).

Conditions:
Pyruvate dehydrogenase E1-beta deficiency (PDHBD). Identifiers: Orphanet 255138, Orphanet 765, MedGen C3279841, MONDO:0013580, OMIM 614111.

Submission:

Labcorp Genetics (formerly Invitae), Labcorp
Classification: Uncertain significance for Pyruvate dehydrogenase E1-beta deficiency. Last evaluated: 2022-04-16. Review status: criteria provided, single submitter. Criteria: Invitae Variant Classification Sherloc (09022015). Collection method: clinical testing. Allele origin: germline.
Comment: In summary, the available evidence is currently insufficient to determine the role of this variant in disease. Therefore, it has been classified as a Variant of Uncertain Significance. Algorithms developed to predict the effect of missense changes on protein structure and function are either unavailable or do not agree on the potential impact of this missense change (SIFT: "Deleterious"; PolyPhen-2: "Possibly Damaging"; Align-GVGD: "Class C0"). This variant has not been reported in the literature in individuals affected with PDHB-related conditions. This variant is not present in population databases (gnomAD no frequency). This sequence change replaces alanine, which is neutral and non-polar, with aspartic acid, which is acidic and polar, at codon 150 of the PDHB protein (p.Ala150Asp).